The following is an entry in ClinVar:

NM_000458.4(HNF1B):c.205C>T (p.His69Tyr)

Gene: HNF1B (HNF1 homeobox B; minus strand). Cytogenetic location: 17q12.
Variant type: single nucleotide variant.
Coding change: c.205C>T on transcript NM_000458.4 (MANE Select); coding-DNA position 205, C replaced by T.
Protein change: p.His69Tyr; replaces histidine 69 with tyrosine.
Molecular consequence: missense variant.
Genome position (GRCh38, 1-based): chr17:37,744,680, G>A on the plus strand (C>T on the coding strand, the complement: HNF1B is on the minus strand). VCF-style: chr17-37744680-G-A. GRCh37 (hg19) VCF-style: chr17-36104671-G-A.
Other names: c.205C>T, p.His69Tyr (NM_001165923.4, NM_001304286.2, NM_001411100.1); short protein forms H69Y.
Identifiers: ClinVar variation 3612742 (VCV003612742.2).

ClinVar aggregate classification (germline): Uncertain significance (1 of 4 stars; one submission).

Submission:

Labcorp Genetics (formerly Invitae), Labcorp
Classification: Uncertain significance. Last evaluated: 2024-09-03. Review status: criteria provided, single submitter. Criteria: Invitae Variant Classification Sherloc (09022015). Collection method: clinical testing. Allele origin: germline.
Comment: This sequence change replaces histidine, which is basic and polar, with tyrosine, which is neutral and polar, at codon 69 of the HNF1B protein (p.His69Tyr). This variant is not present in population databases (gnomAD no frequency). This variant has not been reported in the literature in individuals affected with HNF1B-related conditions. Invitae Evidence Modeling of protein sequence and biophysical properties (such as structural, functional, and spatial information, amino acid conservation, physicochemical variation, residue mobility, and thermodynamic stability) indicates that this missense variant is not expected to disrupt HNF1B protein function with a negative predictive value of 80%. In summary, the available evidence is currently insufficient to determine the role of this variant in disease. Therefore, it has been classified as a Variant of Uncertain Significance.